The following is an entry in ClinVar:

ClinVar aggregate classification (germline): Uncertain significance (1 of 4 stars; one submission).

Conditions:
Peroxisome biogenesis disorder. Identifiers: Orphanet 79189, MedGen C1832200, MONDO:0019234. Disease mechanism: loss of function.

Allele frequency attached by ClinVar (database versions not stated): gnomAD exomes below 0.00001.

Submission:

Labcorp Genetics (formerly Invitae), Labcorp
Classification: Uncertain significance for Peroxisome biogenesis disorder. Last evaluated: 2023-04-09. Review status: criteria provided, single submitter. Criteria: Invitae Variant Classification Sherloc (09022015). Collection method: clinical testing. Allele origin: germline.
Comment: In summary, the available evidence is currently insufficient to determine the role of this variant in disease. Therefore, it has been classified as a Variant of Uncertain Significance. Advanced modeling of protein sequence and biophysical properties (such as structural, functional, and spatial information, amino acid conservation, physicochemical variation, residue mobility, and thermodynamic stability) performed at Invitae indicates that this missense variant is not expected to disrupt PEX6 protein function. This variant has not been reported in the literature in individuals affected with PEX6-related conditions. This variant is not present in population databases (gnomAD no frequency). This sequence change replaces alanine, which is neutral and non-polar, with threonine, which is neutral and polar, at codon 595 of the PEX6 protein (p.Ala595Thr).

NM_000287.4(PEX6):c.1783G>A (p.Ala595Thr)

Gene: PEX6 (peroxisomal biogenesis factor 6; minus strand). Cytogenetic location: 6p21.1.
Variant type: single nucleotide variant.
Coding change: c.1783G>A on transcript NM_000287.4 (MANE Select); coding-DNA position 1783, G replaced by A.
Protein change: p.Ala595Thr; replaces alanine 595 with threonine.
Molecular consequence: missense variant. On other transcripts: non-coding transcript variant (1).
Genome position (GRCh38, 1-based): chr6:42,967,469, C>T on the plus strand (G>A on the coding strand, the complement: PEX6 is on the minus strand). VCF-style: chr6-42967469-C-T. GRCh37 (hg19) VCF-style: chr6-42935207-C-T.
Other names: c.1519G>A, p.Ala507Thr (NM_001316313.2); short protein forms A595T, A507T.
Identifiers: ClinVar variation 2776067 (VCV002776067.3), dbSNP rs2481217646, ClinGen allele CA364153635.